The following is an entry in ClinVar:

ClinVar aggregate classification (germline): Uncertain significance. Review status: criteria provided, multiple submitters, no conflicts (2 of 4 stars). 3 submissions from 3 submitters: Uncertain significance (3). Last evaluated 2025-08-29.

Conditions:
Cardiovascular phenotype. Identifiers: MedGen CN230736.
AKAP9-related disorder. Also called: AKAP9-related condition.
Long QT syndrome (LQTS). Identifiers: MedGen C0023976, MeSH D008133, MONDO:0002442. Disease mechanism: loss of function. Inheritance: Various modes of inheritance.

Allele frequency attached by ClinVar (database versions not stated): gnomAD exomes 0.00001.
gnomAD v4.1: 13 of 1,612,860 alleles (0.00081%); highest among the groups gnomAD compares: African/African-American, 0.013%; 2 homozygotes.

Submissions (3):

PreventionGenetics, part of Exact Sciences
Classification: Uncertain significance for AKAP9-related condition. Last evaluated: 2025-08-29. Review status: criteria provided, single submitter. Criteria: ACMG Guidelines, 2015. Collection method: clinical testing. Allele origin: germline.
Comment: The AKAP9 c.2389G>T variant is predicted to result in the amino acid substitution p.Val797Phe. To our knowledge, this variant has not been reported in the literature or in a large population database (gnomAD), indicating this variant is rare. At this time, the clinical significance of this variant is uncertain due to the absence of conclusive functional and genetic evidence.

Ambry Genetics
Classification: Uncertain significance for Cardiovascular phenotype. Last evaluated: 2022-04-19. Review status: criteria provided, single submitter. Criteria: Ambry Variant Classification Scheme 2023. Collection method: clinical testing. Allele origin: germline.
Comment: The p.V797F variant (also known as c.2389G>T), located in coding exon 8 of the AKAP9 gene, results from a G to T substitution at nucleotide position 2389. The valine at codon 797 is replaced by phenylalanine, an amino acid with highly similar properties. This amino acid position is conserved. In addition, this alteration is predicted to be tolerated by in silico analysis. The evidence for this gene-disease relationship is limited; therefore, the clinical significance of this alteration is unclear.

Labcorp Genetics (formerly Invitae), Labcorp
Classification: Uncertain significance for Long QT syndrome. Last evaluated: 2022-03-20. Review status: criteria provided, single submitter. Criteria: Invitae Variant Classification Sherloc (09022015). Collection method: clinical testing. Allele origin: germline.
Comment: In summary, the available evidence is currently insufficient to determine the role of this variant in disease. Therefore, it has been classified as a Variant of Uncertain Significance. This sequence change replaces valine, which is neutral and non-polar, with phenylalanine, which is neutral and non-polar, at codon 797 of the AKAP9 protein (p.Val797Phe). This variant is not present in population databases (gnomAD no frequency). This variant has not been reported in the literature in individuals affected with AKAP9-related conditions. Algorithms developed to predict the effect of missense changes on protein structure and function (SIFT, PolyPhen-2, Align-GVGD) all suggest that this variant is likely to be tolerated.

NM_005751.5(AKAP9):c.2389G>T (p.Val797Phe)

Gene: AKAP9 (A-kinase anchoring protein 9; plus strand). Cytogenetic location: 7q21.2.
Variant type: single nucleotide variant.
Coding change: c.2389G>T on transcript NM_005751.5 (MANE Select); coding-DNA position 2389, G replaced by T.
Protein change: p.Val797Phe; replaces valine 797 with phenylalanine.
Molecular consequence: missense variant.
Genome position (GRCh38, 1-based): chr7:92,002,306, G>T. VCF-style: chr7-92002306-G-T. GRCh37 (hg19) VCF-style: chr7-91631620-G-T.
Other names: c.2389G>T, p.Val797Phe (NM_147185.3); short protein forms V797F.
Identifiers: ClinVar variation 1790528 (VCV001790528.8), dbSNP rs971851892, ClinGen allele CA368124000.
Genomic context (GRCh38, chr7:92,002,306, plus strand): 5'-AATAGCATTCTTAAAGATGAAAAGAAAACCCTTGAAGACATGTTGAAAATACATACTCCT[G>T]TTAGCCAAGAAGAAAGATTGATTTTCTTAGACTCCATTAAGTCCAAATCCAAAGACTCTG-3'
Protein context (NP_005742.4, residues 787-807): LEDMLKIHTP[Val797Phe]SQEERLIFLD